The following is an entry in ClinVar:

NM_002382.5(MAX):c.228del (p.Asn78fs)

Gene: MAX (MYC associated transcriptional regulator X; minus strand). Cytogenetic location: 14q23.3.
Variant type: Deletion.
Coding change: c.228del on transcript NM_002382.5 (MANE Select); coding-DNA position 228, one base deleted (G; older notation c.228delG).
Protein change: p.Asn78fs; shifts the reading frame from asparagine 78.
Molecular consequence: frameshift variant. On other transcripts: 5 prime UTR variant (1), intron variant (2).
Genome position (GRCh38, 1-based): chr14:65,077,980, C deleted on the plus strand (G on the coding strand, the reverse complement: MAX is on the minus strand); the first of 2 consecutive C bases (chr14:65,077,980-65,077,981); deleting either gives the same sequence. VCF-style (leftmost placement, unchanged base first): chr14-65077979-TC-T. GRCh37 (hg19) VCF-style: chr14-65544697-TC-T.
Other names: c.228delG (NM_002382.3); c.-47del (NM_001320415.2); c.227delG, p.Asn78Thrfs (NM_001407094.1, NM_001407096.1, NM_001407097.1 and 2 more transcripts); c.200delG, p.Asn69Thrfs (NM_001407095.1, NM_001407099.1, NM_001407100.1 and 5 more transcripts); c.119delG, p.Asn42Thrfs (NM_001407098.1); c.-48delG (NM_001407105.1, NM_001407106.1, NM_001407107.1); c.-141delG (NM_001407111.1, NM_001407112.1); c.201del, p.Asn69fs (NM_145112.3); and 3 more; short protein forms N78fs, N69fs.
Identifiers: ClinVar variation 532511 (VCV000532511.10), dbSNP rs1555340550, ClinGen allele CA658798225.
Genomic context (GRCh38, chr14:65,077,979, plus strand): 5'-GCTCCAGAAGAGCATTCTGCCGCTTGAGGTCGTCAATATCTTGCTGGTGTGTGTGGTTTT[TC>T]CTTCGCATATACTGGATATATTCTGTGGCTTTGTCTAGGATTTGGGCCCGGGATGCCTGT-3'

ClinVar aggregate classification (germline): Pathogenic. Review status: criteria provided, multiple submitters, no conflicts (2 of 4 stars). 2 submissions from 2 submitters: Pathogenic (2). Last evaluated 2025-04-13.

Conditions:
Hereditary cancer-predisposing syndrome. Also called: Neoplastic Syndromes, Hereditary; Hereditary Cancer Syndrome; Tumor predisposition; Hereditary neoplastic syndrome. Identifiers: Orphanet 140162, MedGen C0027672, MeSH D009386, MONDO:0015356.
Hereditary pheochromocytoma and paraganglioma. Also called: Hereditary Paraganglioma-Pheochromocytoma Syndromes; Hereditary paragangliomas and pheochromocytomas; Hereditary pheochromocytoma-paraganglioma. Identifiers: Orphanet 29072, MedGen C4274332, MONDO:0017366.

Submissions (2):

Labcorp Genetics (formerly Invitae), Labcorp
Classification: Pathogenic for Hereditary pheochromocytoma and paraganglioma. Last evaluated: 2025-04-13. Review status: criteria provided, single submitter. Criteria: Invitae Variant Classification Sherloc (09022015). Collection method: clinical testing. Allele origin: germline.
Comment: This sequence change results in a frameshift in the MAX gene (p.Asn78Thrfs*92). While this is not anticipated to result in nonsense mediated decay, it is expected to disrupt the last 83 amino acid(s) of the MAX protein and extend the protein by 8 additional amino acid residues. This variant is not present in population databases (gnomAD no frequency). This frameshift has been observed in individual(s) with pheochromocytoma (internal data). It has also been observed to segregate with disease in related individuals. ClinVar contains an entry for this variant (Variation ID: 532511). This variant disrupts the C-terminal domain of the MAX protein, which is essential for protein localization to the nucleus and suppression of MYC transactivation activity (PMID: 1459463, 1730412, 7630640). While functional studies have not been performed to directly test the effect of this variant on MAX protein function, this suggests that disruption of this region of the protein is causative of disease. For these reasons, this variant has been classified as Pathogenic.

Ambry Genetics
Classification: Pathogenic for Hereditary cancer-predisposing syndrome. Last evaluated: 2020-03-27. Review status: criteria provided, single submitter. Criteria: Ambry Variant Classification Scheme 2023. Collection method: clinical testing. Allele origin: germline.
Comment: The c.228delG pathogenic mutation, located in coding exon 4 of the MAX gene, results from a deletion of one nucleotide at position 228, causing a translational frameshift with a predicted alternate stop codon (p.N78Tfs*92). This frameshift occurs at the 3' terminus of MAX and is not expected to trigger nonsense-mediated mRNA decay; however this variant alters more than half of the original coding sequence of the gene and results in the elongation of the protein by 8 amino acids. This variant was not reported in population-based cohorts in the Genome Aggregation Database (gnomAD). The c.225delG pathogenic mutation has been detected in a family meeting clinical criteria for paraganglioma-pheochromocytoma (PGL-PCC) syndrome (Ambry internal data). Based on the supporting evidence, this alteration is interpreted as a disease-causing mutation.

Literature cited by the submitters: PubMed 1459463 (cited by Labcorp Genetics (formerly Invitae), Labcorp); PubMed 1730412 (cited by Labcorp Genetics (formerly Invitae), Labcorp); PubMed 7630640 (cited by Labcorp Genetics (formerly Invitae), Labcorp).